The following is an entry in ClinVar:

NM_000539.3(RHO):c.205C>T (p.Arg69Cys)

Gene: RHO (rhodopsin; plus strand). Cytogenetic location: 3q22.1.
Variant type: single nucleotide variant.
Coding change: c.205C>T on transcript NM_000539.3 (MANE Select); coding-DNA position 205, C replaced by T.
Protein change: p.Arg69Cys; replaces arginine 69 with cysteine.
Molecular consequence: missense variant.
Genome position (GRCh38, 1-based): chr3:129,528,938, C>T. VCF-style: chr3-129528938-C-T. GRCh37 (hg19) VCF-style: chr3-129247781-C-T.
Other names: short protein forms R69C.
Identifiers: ClinVar variation 900453 (VCV000900453.6), dbSNP rs761101263, ClinGen allele CA2607085.

ClinVar aggregate classification (germline): Uncertain significance. Review status: criteria provided, multiple submitters, no conflicts (2 of 4 stars). 3 submissions from 2 submitters: Uncertain significance (3). Last evaluated 2025-03-27.

Conditions:
Retinitis pigmentosa (RP). Identifiers: Orphanet 791, MedGen C0035334, MeSH D012174, MONDO:0019200, OMIM 268000. Inheritance: Autosomal dominant, autosomal recessive and X linked inheritance.
Congenital stationary night blindness autosomal dominant 1. Also called: NIGHT BLINDNESS, CONGENITAL STATIONARY, RHODOPSIN-RELATED. Identifiers: Orphanet 215, MedGen C1864869, MONDO:0012498, OMIM 610445.

Allele frequency attached by ClinVar (database versions not stated): ExAC 0.00001; gnomAD 0.00002; gnomAD exomes 0.00002 and 0.00004; TOPMed 0.00002.

Submissions (3):

Labcorp Genetics (formerly Invitae), Labcorp
Classification: Uncertain significance. Last evaluated: 2025-03-27. Review status: criteria provided, single submitter. Criteria: Invitae Variant Classification Sherloc (09022015). Collection method: clinical testing. Allele origin: germline.
Comment: This sequence change replaces arginine, which is basic and polar, with cysteine, which is neutral and slightly polar, at codon 69 of the RHO protein (p.Arg69Cys). This variant is present in population databases (rs761101263, gnomAD 0.004%). This variant has not been reported in the literature in individuals affected with RHO-related conditions. ClinVar contains an entry for this variant (Variation ID: 900453). Invitae Evidence Modeling of protein sequence and biophysical properties (such as structural, functional, and spatial information, amino acid conservation, physicochemical variation, residue mobility, and thermodynamic stability) indicates that this missense variant is expected to disrupt RHO protein function with a positive predictive value of 95%. In summary, the available evidence is currently insufficient to determine the role of this variant in disease. Therefore, it has been classified as a Variant of Uncertain Significance.

Illumina Laboratory Services, Illumina
Classification: Uncertain significance for Congenital stationary night blindness autosomal dominant 1. Last evaluated: 2018-01-12. Review status: criteria provided, single submitter. Criteria: ICSL Variant Classification Criteria 13 December 2019. Collection method: clinical testing. Allele origin: germline.

Illumina Laboratory Services, Illumina
Classification: Uncertain significance for Retinitis pigmentosa. Last evaluated: 2018-01-12. Review status: criteria provided, single submitter. Criteria: ICSL Variant Classification Criteria 13 December 2019. Collection method: clinical testing. Allele origin: germline.